The following is an entry in ClinVar:

ClinVar aggregate classification (germline): Benign (1 of 4 stars; one submission).

Conditions:
Amyotrophic neuralgia (HNA). Also called: AMYOTROPHY, HEREDITARY NEURALGIC; Hereditary Brachial Plexus Neuropathy; Neuritis with Brachial Predilection; AMYOTROPHY, HEREDITARY NEURALGIC, WITH PREDILECTION FOR BRACHIAL PLEXUS. Identifiers: Orphanet 2901, MedGen C1834304, MONDO:0008076, OMIM 162100.

Allele frequency attached by ClinVar (database versions not stated): ExAC 0.00072; 1000 Genomes Project 30x 0.00094; 1000 Genomes Project 0.00100; gnomAD exomes 0.00173; gnomAD 0.00178 and 0.00179; TOPMed 0.00238.
gnomAD v4.1: 950 of 536,234 alleles (0.18%); highest among the groups gnomAD compares: Admixed American, 0.31%; no homozygotes.

Submission:

Illumina Laboratory Services, Illumina
Classification: Benign for Amyotrophy, hereditary neuralgic. Last evaluated: 2018-01-12. Review status: criteria provided, single submitter. Criteria: ICSL Variant Classification Criteria 13 December 2019. Collection method: clinical testing. Allele origin: germline.
Comment: This variant was observed in the ICSL laboratory as part of a predisposition screen in an ostensibly healthy population. It had not been previously curated by ICSL or reported in the Human Gene Mutation Database (HGMD: prior to June 1st, 2018), and was therefore a candidate for classification through an automated scoring system. Utilizing variant allele frequency, disease prevalence and penetrance estimates, and inheritance mode, an automated score was calculated to assess if this variant is too frequent to cause the disease. Based on the score and internal cut-off values, a variant classified as benign is not then subjected to further curation. The score for this variant resulted in a classification of benign for this disease.

NM_001113491.2(SEPTIN9):c.*454G>A

Gene: SEPTIN9 (septin 9; plus strand). Cytogenetic location: 17q25.3.
Variant type: single nucleotide variant.
Coding change: c.*454G>A on transcript NM_001113491.2 (MANE Select); 454 bases downstream of the stop codon, G replaced by A.
Molecular consequence: 3 prime UTR variant.
Genome position (GRCh38, 1-based): chr17:77,499,112, G>A. VCF-style: chr17-77499112-G-A. GRCh37 (hg19) VCF-style: chr17-75495194-G-A.
Other names: c.*454G>A (NM_001113492.2, NM_001113493.2, NM_001113494.1 and 7 more transcripts).
Identifiers: ClinVar variation 325588 (VCV000325588.5), dbSNP rs573267105, ClinGen allele CA8793985.
Genomic context (GRCh38, chr17:77,499,112, plus strand): 5'-GGGCTGCACGCTCCCCTCCATCCCCATCGGCCCTGTCCCCTGGAGTGTGTCAGAGCCCAG[G>A]GGAGAATGCAGCCCACCAGGAGCACCTGGACCCCCTGCCCGCCACATGGTGTGGCCATCA-3'